The following is an entry in ClinVar:

ClinVar aggregate classification (germline): Pathogenic (1 of 4 stars; one submission).

Conditions:
Sulfite oxidase deficiency due to molybdenum cofactor deficiency type C. Also called: Molybdenum cofactor deficiency, complementation group C; Molybdenum cofactor deficiency C. Identifiers: Orphanet 308400, Orphanet 833, MedGen C1854990, MONDO:0014212, OMIM 615501.

Submission:

Labcorp Genetics (formerly Invitae), Labcorp
Classification: Pathogenic for Sulfite oxidase deficiency due to molybdenum cofactor deficiency type C. Last evaluated: 2022-11-08. Review status: criteria provided, single submitter. Criteria: Invitae Variant Classification Sherloc (09022015). Collection method: clinical testing. Allele origin: germline.
Comment: For these reasons, this variant has been classified as Pathogenic. This variant has not been reported in the literature in individuals affected with GPHN-related conditions. This variant is a gross deletion of the genomic region encompassing exon(s) 17 of the GPHN gene. This deletion is out-of-frame, and is expected to create a premature termination codon and result in an absent or disrupted protein product. Loss-of-function variants in GPHN are known to be pathogenic (PMID: 11095995, 23184456, 23393157).

Literature cited by the submitters: PubMed 11095995; PubMed 23184456; PubMed 23393157.

NC_000014.9:g.(?_67122236)_(67122397_?)del

Gene: GPHN (gephyrin; plus strand). Cytogenetic location: 14q23.3.
Variant type: Deletion.
Identifiers: ClinVar variation 833419 (VCV000833419.5).